The following is an entry in ClinVar:

ClinVar aggregate classification (germline): Pathogenic. Review status: criteria provided, multiple submitters, no conflicts (2 of 4 stars). 6 submissions from 6 submitters: Pathogenic (6). Last evaluated 2026-03-24.

Conditions:
Hereditary cancer-predisposing syndrome. Also called: Tumor predisposition; Hereditary neoplastic syndrome; Hereditary Cancer Syndrome; Neoplastic Syndromes, Hereditary. Identifiers: Orphanet 140162, MedGen C0027672, MeSH D009386, MONDO:0015356.
Cardiovascular phenotype. Identifiers: MedGen CN230736.
Neurofibromatosis, type 1 (NF1). Also called: Peripheral type neurofibromatosis; Neurofibromatosis, type I; VON RECKLINGHAUSEN DISEASE; NEUROFIBROMATOSIS, TYPE I, SOMATIC. Identifiers: Orphanet 636, MedGen C0027831, MONDO:0018975, OMIM 162200. Disease mechanism: loss of function.

Submissions (6):

GeneDx
Classification: Pathogenic. Last evaluated: 2026-03-24. Review status: criteria provided, single submitter. Criteria: GeneDx Variant Classification Process June 2021. Collection method: clinical testing. Allele origin: germline. Affected: yes.
Comment: Canonical splice site variant predicted to result in an in-frame loss of the adjacent exon in a gene for which loss of function is a known mechanism of disease; Not observed at significant frequency in large population cohorts (gnomAD); Deletions involving coding exons of this gene are a known mechanism of disease (HGMD); This variant is associated with the following publications: (PMID: 16944272, 25525159, 18546366, 26458495, 25480383, 26969325, 34449562, 31766501)

Genomic Medicine Center of Excellence, King Faisal Specialist Hospital and Research Centre
Classification: Pathogenic for Neurofibromatosis, type 1. Last evaluated: 2024-09-02. Review status: criteria provided, single submitter. Criteria: ACMG Guidelines, 2015. Collection method: clinical testing. Allele origin: germline.

Labcorp Genetics (formerly Invitae), Labcorp
Classification: Pathogenic for Neurofibromatosis, type 1. Last evaluated: 2024-05-19. Review status: criteria provided, single submitter. Criteria: Invitae Variant Classification Sherloc (09022015). Collection method: clinical testing. Allele origin: germline.
Comment: This sequence change affects a donor splice site in intron 21 of the NF1 gene. It is expected to disrupt RNA splicing. Variants that disrupt the donor or acceptor splice site typically lead to a loss of protein function (PMID: 16199547), and loss-of-function variants in NF1 are known to be pathogenic (PMID: 10712197, 23913538). This variant is not present in population databases (gnomAD no frequency). Disruption of this splice site has been observed in individual(s) with neurofibromatosis type 1 (PMID: 25480383). ClinVar contains an entry for this variant (Variation ID: 429002). Algorithms developed to predict the effect of sequence changes on RNA splicing suggest that this variant may disrupt the consensus splice site. For these reasons, this variant has been classified as Pathogenic.

Genome-Nilou Lab
Classification: Pathogenic for Neurofibromatosis, type 1. Last evaluated: 2022-03-15. Review status: criteria provided, single submitter. Criteria: ACMG Guidelines, 2015. Collection method: clinical testing. Allele origin: germline. Affected: no.

Division of Genomic Medicine, Department of Advanced Medicine, Medical Research Institute, Kanazawa Medical University
Classification: Pathogenic for Neurofibromatosis, type 1. Last evaluated: 2021-02-03. Review status: criteria provided, single submitter. Criteria: ACMG Guidelines, 2015. Collection method: clinical testing. Allele origin: germline. Affected: yes. Observed: 1 variant allele.

Ambry Genetics
Classification: Pathogenic for Cardiovascular phenotype; Hereditary cancer-predisposing syndrome. Last evaluated: 2016-07-19. Review status: criteria provided, single submitter. Criteria: Ambry Variant Classification Scheme 2023. Collection method: clinical testing. Allele origin: germline.
Comment: The c.2850+1G>T intronic pathogenic mutation results from a G to T substitution one nucleotide after coding exon 21 of the NF1 gene. This mutation has been reported to affect mRNA splicing in multiple individuals with neurofibromatosis type 1, resulting in different truncated protein products (Pros E et al. Hum. Mutat., 2008 Sep;29:E173-93; Okumura A et al. Brain Dev., 2015 Aug;37:677-89). In addition to the clinical data presented in the literature, alterations that disrupt the canonical splice donor site are expected to cause aberrant splicing, resulting in an abnormal protein or a transcript that is subject to nonsense-mediated mRNA decay. As such, this alteration is classified as pathogenic.

Literature cited by the submitters: PubMed 16199547 (cited by Labcorp Genetics (formerly Invitae), Labcorp); PubMed 10712197 (cited by Labcorp Genetics (formerly Invitae), Labcorp); PubMed 23913538 (cited by Labcorp Genetics (formerly Invitae), Labcorp); PubMed 25480383 (cited by Labcorp Genetics (formerly Invitae), Labcorp).

NM_001042492.3(NF1):c.2850+1G>T

Gene: NF1 (neurofibromin 1; plus strand). Cytogenetic location: 17q11.2.
Variant type: single nucleotide variant.
Coding change: c.2850+1G>T on transcript NM_001042492.3 (MANE Select); the canonical splice donor site of the intron after coding-DNA position 2850, G replaced by T.
Molecular consequence: splice donor variant.
Genome position (GRCh38, 1-based): chr17:31,229,466, G>T. VCF-style: chr17-31229466-G-T. GRCh37 (hg19) VCF-style: chr17-29556484-G-T.
Other names: c.2850+1G>T (NM_000267.4).
Identifiers: ClinVar variation 429002 (VCV000429002.16), dbSNP rs1131691122, ClinGen allele CA398985902.